The following is an entry in ClinVar:

ClinVar aggregate classification (germline): Likely benign (1 of 4 stars; one submission).

Submission:

GeneDx
Classification: Likely benign. Last evaluated: 2018-05-17. Review status: criteria provided, single submitter. Criteria: GeneDx Variant Classification (06012015). Collection method: clinical testing. Allele origin: germline. Affected: yes.
Comment: This variant is considered likely benign or benign based on one or more of the following criteria: it is a conservative change, it occurs at a poorly conserved position in the protein, it is predicted to be benign by multiple in silico algorithms, and/or has population frequency not consistent with disease.

NM_001267550.2(TTN):c.51270GAG[1] (p.Arg17092del)

Genes: TTN (titin; minus strand), TTN-AS1 (TTN antisense RNA 1; plus strand). Cytogenetic location: 2q31.2.
Variant type: Microsatellite.
Coding change: c.51270GAG[1] on transcript NM_001267550.2 (MANE Select); one copy of the 3-base unit GAG starting at c.51270; the reference has two copies in a row; one copy, 3 bases deleted.
Protein change: p.Arg17092del; deletes arginine 17092.
Molecular consequence: inframe deletion.
Genome position (GRCh38, 1-based): chr2:178,610,251-178,610,253, CTC deleted on the plus strand (GAG on the coding strand, the reverse complement: TTN is on the minus strand); deleting any 3 consecutive bases within chr2:178,610,251-178,610,257 gives the same sequence; the position shown is the placement nearest the transcript's 3' end. VCF-style (leftmost placement, unchanged base first): chr2-178610250-TCTC-T. GRCh37 (hg19) VCF-style: chr2-179474977-TCTC-T.
Other names: c.46347GAG[1], p.Arg15451del (NM_001256850.1); c.24075GAG[1], p.Arg8027del (NM_003319.4); c.43566GAG[1], p.Arg14524del (NM_133378.4); c.24450GAG[1], p.Arg8152del (NM_133432.3); c.24651GAG[1], p.Arg8219del (NM_133437.4); c.46350_46352delGAG (NM_001256850.1); short protein forms R15451del, R8219del, R17092del, R8027del, R14524del, R8152del.
Identifiers: ClinVar variation 678703 (VCV000678703.1), dbSNP rs1576402359, ClinGen allele CA915942200.
Genomic context (GRCh38, chr2:178,610,250, plus strand): 5'-TATGAGATCCTTCACAGTCCATGACAGTTTGTTCTCACCAGACATGACTGGTATATATGT[TCTC>T]CTCCCAGCTTCTCTGCGCTCCAGGACATAATGAAGAATTGGGGTTCCACCATCAAATTCT-3'